The following is an entry in ClinVar:

ClinVar aggregate classification (germline): Uncertain significance. Review status: criteria provided, multiple submitters, no conflicts (2 of 4 stars). 6 submissions from 6 submitters: Uncertain significance (6). Last evaluated 2026-01-11.

Conditions:
Cardiovascular phenotype. Identifiers: MedGen CN230736.
Familial thoracic aortic aneurysm and aortic dissection (TAAD). Also called: Thoracic aortic aneurysms and dissections. Identifiers: Orphanet 91387, MedGen C4707243, MONDO:0019625.
Ehlers-Danlos syndrome, type 4 (EDSVASC). Also called: Ehlers-Danlos syndrome vascular type; Ehlers Danlos syndrome, ecchymotic type; Ehlers Danlos syndrome, arterial type; Ehlers Danlos syndrome, Sack-Barabas type; Ehlers-Danlos Syndrome Type IV. Identifiers: Orphanet 286, MedGen C0268338, MONDO:0017314, OMIM 130050.

Allele frequency attached by ClinVar (database versions not stated): gnomAD exomes below 0.00001; TOPMed below 0.00001; gnomAD 0.00001.
gnomAD v4.1: 8 of 1,614,066 alleles (0.0005%); highest among the groups gnomAD compares: Non-Finnish European, 0.00068%; no homozygotes.

Submissions (6):

Labcorp Genetics (formerly Invitae), Labcorp
Classification: Uncertain significance for Ehlers-Danlos syndrome, type 4. Last evaluated: 2026-01-11. Review status: criteria provided, single submitter. Criteria: Invitae Variant Classification Sherloc (09022015). Collection method: clinical testing. Allele origin: germline.
Comment: This sequence change replaces asparagine, which is neutral and polar, with lysine, which is basic and polar, at codon 1230 of the COL3A1 protein (p.Asn1230Lys). This variant is present in population databases (no rsID available, gnomAD 0.0009%). This missense change has been observed in individual(s) with scoliosis (PMID: 26333736). ClinVar contains an entry for this variant (Variation ID: 1037332). Invitae Evidence Modeling of protein sequence and biophysical properties (such as structural, functional, and spatial information, amino acid conservation, physicochemical variation, residue mobility, and thermodynamic stability) indicates that this missense variant is not expected to disrupt COL3A1 protein function with a negative predictive value of 95%. In summary, the available evidence is currently insufficient to determine the role of this variant in disease. Therefore, it has been classified as a Variant of Uncertain Significance.

Color Diagnostics, LLC DBA Color Health
Classification: Uncertain significance for Familial thoracic aortic aneurysm and aortic dissection. Last evaluated: 2025-07-11. Review status: criteria provided, single submitter. Criteria: ACMG Guidelines, 2015. Collection method: clinical testing. Allele origin: germline.
Comment: This missense variant replaces asparagine with lysine at codon 1230 of the COL3A1 protein. Computational prediction suggests that this variant may not impact protein structure and function. To our knowledge, functional studies have not been reported for this variant. This variant has been reported in an individual affected with idiopathic scoliosis (PMID: 26333736) and in an individual affected with spontaneous coronary artery dissection (Burr 2020, dissertation, McGill University). This variant has been identified in 1/251366 chromosomes in the general population by the Genome Aggregation Database (gnomAD). The available evidence is insufficient to determine the role of this variant in disease conclusively. Therefore, this variant is classified as a Variant of Uncertain Significance.

Molecular Diagnostic Laboratory for Inherited Cardiovascular Disease, Montreal Heart Institute
Classification: Uncertain significance for Cardiovascular phenotype. Last evaluated: 2025-04-09. Review status: criteria provided, single submitter. Criteria: ACMG Guidelines, 2015. Collection method: clinical testing. Allele origin: germline. Affected: yes.
Comment: PP2, BP4

All of Us Research Program, National Institutes of Health
Classification: Uncertain significance for Ehlers-Danlos syndrome, type 4. Last evaluated: 2023-12-13. Review status: criteria provided, single submitter. Criteria: ACMG Guidelines, 2015. Collection method: clinical testing. Allele origin: germline. Inheritance: Autosomal dominant inheritance. Observed: 4 variant alleles, 4 heterozygotes.
Comment: This missense variant replaces asparagine with lysine at codon 1230 of the COL3A1 protein. Computational prediction suggests that this variant may not impact protein structure and function (internally defined REVEL score threshold <= 0.5, PMID: 27666373). To our knowledge, functional studies have not been reported for this variant. This variant has been reported in an individual with idiopathic scoliosis (PMID: 26333736). This variant has been identified in 1/251366 chromosomes in the general population by the Genome Aggregation Database (gnomAD). The available evidence is insufficient to determine the role of this variant in disease conclusively. Therefore, this variant is classified as a Variant of Uncertain Significance.

This study involves interpretation of variants in research participants for the purpose of population health screening. Participant phenotype was not available at the time of variant classification. Additional details can be found in publication PMID: 35346344, PMCID: PMC8962531

Blueprint Genetics
Classification: Uncertain significance. Last evaluated: 2023-02-03. Review status: criteria provided, single submitter. Criteria: ACMG Guidelines, 2015. Collection method: clinical testing. Allele origin: germline.

GeneDx
Classification: Uncertain significance. Last evaluated: 2019-11-21. Review status: criteria provided, single submitter. Criteria: GeneDx Variant Classification Process June 2021. Collection method: clinical testing. Allele origin: germline. Affected: yes.
Comment: Reported in a patient with adolescent idiopathic scoliosis (Haller et al., 2015); Not observed at a significant frequency in large population cohorts (Lek et al., 2016); In silico analysis, which includes protein predictors and evolutionary conservation, supports that this variant does not alter protein structure/function; Not located in the triple helical region, where the majority of pathogenic missense variants occur (Stenson et al., 2014); This variant is associated with the following publications: (PMID: 26333736)

Literature cited by the submitters: PubMed 26333736 (cited by 3 submitters).

NM_000090.4(COL3A1):c.3690C>G (p.Asn1230Lys)

Gene: COL3A1 (collagen type III alpha 1 chain; plus strand). Cytogenetic location: 2q32.2.
Variant type: single nucleotide variant.
Coding change: c.3690C>G on transcript NM_000090.4 (MANE Select); coding-DNA position 3690, C replaced by G.
Protein change: p.Asn1230Lys; replaces asparagine 1230 with lysine.
Molecular consequence: missense variant.
Genome position (GRCh38, 1-based): chr2:189,009,088, C>G. VCF-style: chr2-189009088-C-G. GRCh37 (hg19) VCF-style: chr2-189873814-C-G.
Other names: short protein forms N1230K.
Identifiers: ClinVar variation 1037332 (VCV001037332.10), dbSNP rs1190691997, ClinGen allele CA349847145.